The following is an entry in ClinVar:

ClinVar aggregate classification (germline): Uncertain significance. Review status: criteria provided, multiple submitters, no conflicts (2 of 4 stars). 2 submissions from 2 submitters: Uncertain significance (2). Last evaluated 2023-04-17.

Conditions:
Cardiovascular phenotype. Identifiers: MedGen CN230736.
Dilated cardiomyopathy 1KK (CMD1KK). Identifiers: Orphanet 154, Orphanet 75249, MedGen C3714995, MONDO:0014100, OMIM 615248.

Allele frequency attached by ClinVar (database versions not stated): gnomAD exomes below 0.00001 and 0.00001; TOPMed below 0.00001; ExAC 0.00001; gnomAD 0.00001.
gnomAD v4.1: 5 of 1,613,868 alleles (0.00031%); highest among the groups gnomAD compares: Non-Finnish European, 0.00042%; no homozygotes.

Submissions (2):

Ambry Genetics
Classification: Uncertain significance for Cardiovascular phenotype. Last evaluated: 2023-04-17. Review status: criteria provided, single submitter. Criteria: Ambry Variant Classification Scheme 2023. Collection method: clinical testing. Allele origin: germline.
Comment: The p.R1218S variant (also known as c.3654G>C), located in coding exon 17 of the MYPN gene, results from a G to C substitution at nucleotide position 3654. The arginine at codon 1218 is replaced by serine, an amino acid with dissimilar properties. This amino acid position is highly conserved in available vertebrate species. In addition, this alteration is predicted to be deleterious by in silico analysis. Since supporting evidence is limited at this time, the clinical significance of this alteration remains unclear.

Labcorp Genetics (formerly Invitae), Labcorp
Classification: Uncertain significance for Dilated cardiomyopathy 1KK. Last evaluated: 2020-10-24. Review status: criteria provided, single submitter. Criteria: Invitae Variant Classification Sherloc (09022015). Collection method: clinical testing. Allele origin: germline.
Comment: In summary, the available evidence is currently insufficient to determine the role of this variant in disease. Therefore, it has been classified as a Variant of Uncertain Significance. Algorithms developed to predict the effect of missense changes on protein structure and function are either unavailable or do not agree on the potential impact of this missense change (SIFT: "Deleterious"; PolyPhen-2: "Probably Damaging"; Align-GVGD: "Class C0"). This variant has not been reported in the literature in individuals with MYPN-related conditions. This variant is present in population databases (rs781011786, ExAC 0.002%). This sequence change replaces arginine with serine at codon 1218 of the MYPN protein (p.Arg1218Ser). The arginine residue is highly conserved and there is a moderate physicochemical difference between arginine and serine.

Literature cited by the submitters: PubMed 28416588 (cited by Ambry Genetics).

NM_032578.4(MYPN):c.3654G>C (p.Arg1218Ser)

Gene: MYPN (myopalladin; plus strand). Cytogenetic location: 10q21.3.
Variant type: single nucleotide variant.
Coding change: c.3654G>C on transcript NM_032578.4 (MANE Select); coding-DNA position 3654, G replaced by C.
Protein change: p.Arg1218Ser; replaces arginine 1218 with serine.
Molecular consequence: missense variant. On other transcripts: non-coding transcript variant (2).
Genome position (GRCh38, 1-based): chr10:68,201,989, G>C. VCF-style: chr10-68201989-G-C. GRCh37 (hg19) VCF-style: chr10-69961746-G-C.
Other names: c.3654G>C, p.Arg1218Ser (NM_001256267.2); c.2772G>C, p.Arg924Ser (NM_001256268.2); c.3654G>C (NM_032578.2); short protein forms R1218S, R924S.
Identifiers: ClinVar variation 1054302 (VCV001054302.8), dbSNP rs781011786, ClinGen allele CA5523108.
Genomic context (GRCh38, chr10:68,201,989, plus strand): 5'-GCCCCCACCTGTGTTCTACTGGAAGAAAGACAATGAGACCATCCCTTGCACCAGAGAGAG[G>C]ATCAGGTACAGCAGCCACCACATCCAGAGGGACTCCCACTCTCAGTGGGGCTTGTTGCGC-3'
Protein context (NP_115967.2, residues 1208-1228): DNETIPCTRE[Arg1218Ser]ISMHQDTTGY